The following is an entry in ClinVar:

NM_024675.4(PALB2):c.1781G>A (p.Arg594Lys)

Gene: PALB2 (partner and localizer of BRCA2; minus strand). Cytogenetic location: 16p12.2.
Variant type: single nucleotide variant.
Coding change: c.1781G>A on transcript NM_024675.4 (MANE Select); coding-DNA position 1781, G replaced by A.
Protein change: p.Arg594Lys; replaces arginine 594 with lysine.
Molecular consequence: missense variant.
Genome position (GRCh38, 1-based): chr16:23,630,373, C>T on the plus strand (G>A on the coding strand, the complement: PALB2 is on the minus strand). VCF-style: chr16-23630373-C-T. GRCh37 (hg19) VCF-style: chr16-23641694-C-T.
Other names: short protein forms R594K.
Identifiers: ClinVar variation 641088 (VCV000641088.17), dbSNP rs1597091217, ClinGen allele CA395128146.

ClinVar aggregate classification (germline): Conflicting classifications of pathogenicity. Review status: criteria provided, conflicting classifications (1 of 4 stars). 3 submissions from 3 submitters: Uncertain significance (2); Likely benign (1). Last evaluated 2024-11-20.

Conditions:
Hereditary cancer-predisposing syndrome. Also called: Neoplastic Syndromes, Hereditary; Tumor predisposition; Hereditary Cancer Syndrome; Hereditary neoplastic syndrome. Identifiers: Orphanet 140162, MedGen C0027672, MeSH D009386, MONDO:0015356.
Familial cancer of breast. Also called: BREAST CANCER, FAMILIAL; hereditary breast carcinoma; Hereditary breast cancer. Identifiers: Orphanet 227535, MedGen C0346153, MONDO:0016419, OMIM 114480. Disease mechanism: loss of function.

Submissions (3):

Labcorp Genetics (formerly Invitae), Labcorp
Classification: Uncertain significance for Familial cancer of breast. Last evaluated: 2024-11-20. Review status: criteria provided, single submitter. Criteria: Invitae Variant Classification Sherloc (09022015). Collection method: clinical testing. Allele origin: germline.
Comment: This sequence change replaces arginine, which is basic and polar, with lysine, which is basic and polar, at codon 594 of the PALB2 protein (p.Arg594Lys). This variant is not present in population databases (gnomAD no frequency). This variant has not been reported in the literature in individuals affected with PALB2-related conditions. ClinVar contains an entry for this variant (Variation ID: 641088). Invitae Evidence Modeling of protein sequence and biophysical properties (such as structural, functional, and spatial information, amino acid conservation, physicochemical variation, residue mobility, and thermodynamic stability) indicates that this missense variant is not expected to disrupt PALB2 protein function with a negative predictive value of 80%. In summary, the available evidence is currently insufficient to determine the role of this variant in disease. Therefore, it has been classified as a Variant of Uncertain Significance.

Color Diagnostics, LLC DBA Color Health
Classification: Uncertain significance for Hereditary cancer-predisposing syndrome. Last evaluated: 2024-03-06. Review status: criteria provided, single submitter. Criteria: ACMG Guidelines, 2015. Collection method: clinical testing. Allele origin: germline.
Comment: This missense variant replaces arginine with lysine at codon 594 of the PALB2 protein. Computational prediction suggests that this variant may not impact protein structure and function (internally defined REVEL score threshold <= 0.5, PMID: 27666373). To our knowledge, functional studies have not been reported for this variant. This variant has not been reported in individuals affected with hereditary cancer in the literature. This variant has not been identified in the general population by the Genome Aggregation Database (gnomAD). The available evidence is insufficient to determine the role of this variant in disease conclusively. Therefore, this variant is classified as a Variant of Uncertain Significance.

Ambry Genetics
Classification: Likely benign for Hereditary cancer-predisposing syndrome. Last evaluated: 2020-03-09. Review status: criteria provided, single submitter. Criteria: Ambry Variant Classification Scheme 2023. Collection method: clinical testing. Allele origin: germline.